The following is an entry in ClinVar:

NM_004333.6(BRAF):c.1314+17T>C

Gene: BRAF (B-Raf proto-oncogene, serine/threonine kinase; minus strand). Cytogenetic location: 7q34.
Variant type: single nucleotide variant.
Coding change: c.1314+17T>C on transcript NM_004333.6 (MANE Select); 17 bases into the intron after coding-DNA position 1314, T replaced by C.
Molecular consequence: intron variant.
Genome position (GRCh38, 1-based): chr7:140,783,004, A>G on the plus strand (T>C on the coding strand, the complement: BRAF is on the minus strand). VCF-style: chr7-140783004-A-G. GRCh37 (hg19) VCF-style: chr7-140482804-A-G.
Other names: c.1314+17T>C (NM_001378474.1, NM_001378468.1, NM_001354609.2); c.1212+17T>C (NM_001378470.1); c.1050+17T>C (NM_001378475.1); c.1203+17T>C (NM_001378471.1); c.1434+17T>C (NM_001374258.1, NM_001374244.1); c.1323+17T>C (NM_001378467.1); c.1158+17T>C (NM_001378472.1, NM_001378473.1); c.1248+17T>C (NM_001378469.1).
Identifiers: ClinVar variation 392213 (VCV000392213.10), dbSNP rs1057524397, ClinGen allele CA16605048.

ClinVar aggregate classification (germline): Likely benign. Review status: criteria provided, multiple submitters, no conflicts (2 of 4 stars). 3 submissions from 3 submitters: Likely benign (3). Last evaluated 2025-09-10.

Conditions:
Noonan syndrome 1 (NS1). Also called: FEMALE PSEUDO-TURNER SYNDROME; PTPN11-Related Noonan Syndrome; TURNER PHENOTYPE WITH NORMAL KARYOTYPE. Identifiers: Orphanet 648, MedGen C4551602, MONDO:0008104, OMIM 163950. Disease mechanism: gain of function.
Melanoma, cutaneous malignant, susceptibility to, 1 (CMM1). Also called: MELANOMA, MALIGNANT; DYSPLASTIC NEVUS SYNDROME, HEREDITARY; FAMILIAL ATYPICAL MOLE-MALIGNANT MELANOMA SYNDROME; B-K MOLE SYNDROME. Identifiers: Orphanet 618, MedGen C1835047, MONDO:0007963, OMIM 155600.
Lung cancer. Also called: Lung cancer, somatic; Malignant tumor of lung. Identifiers: MedGen C0242379, MONDO:0008903, OMIM 211980.
Cardiofaciocutaneous syndrome 1 (CFC1). Also called: BRAF-Related Cardiofaciocutaneous Syndrome. Identifiers: Orphanet 1340, MedGen CN029449, MONDO:0007265, OMIM 115150. Disease mechanism: gain of function.
LEOPARD syndrome 3 (LPRD3). Identifiers: Orphanet 500, MedGen C3150971, MONDO:0013380, OMIM 613707.
Colorectal cancer. Also called: Colorectal cancer, somatic; Malignant Colorectal Neoplasm. Identifiers: MedGen C0346629, MONDO:0005575, OMIM 114500.
Noonan syndrome 7 (NS7). Also called: BRAF-Related Noonan Syndrome. Identifiers: Orphanet 648, MedGen C3150970, MONDO:0013379, OMIM 613706.
RASopathy. Also called: rasopathies; Noonan spectrum disorder. Identifiers: Orphanet 536391, MedGen C5555857, MONDO:0021060.

Allele frequency attached by ClinVar (database versions not stated): gnomAD exomes 0.00001; gnomAD 0.00003; TOPMed 0.00004.
gnomAD v4.1: 16 of 1,612,472 alleles (0.00099%); highest among the groups gnomAD compares: African/African-American, 0.012%; no homozygotes.

Submissions (3):

Labcorp Genetics (formerly Invitae), Labcorp
Classification: Likely benign for RASopathy. Last evaluated: 2025-09-10. Review status: criteria provided, single submitter. Criteria: Invitae Variant Classification Sherloc (09022015). Collection method: clinical testing. Allele origin: germline.

Fulgent Genetics
Classification: Likely benign for Colorectal cancer; Cardiofaciocutaneous syndrome 1; Melanoma, cutaneous malignant, susceptibility to, 1; Noonan syndrome 1; Lung cancer; Noonan syndrome 7; LEOPARD syndrome 3. Last evaluated: 2021-11-13. Review status: criteria provided, single submitter. Criteria: ACMG Guidelines, 2015. Collection method: clinical testing. Allele origin: unknown.

GeneDx
Classification: Likely benign. Last evaluated: 2016-12-30. Review status: criteria provided, single submitter. Criteria: GeneDx Variant Classification (06012015). Collection method: clinical testing. Allele origin: germline. Affected: yes.
Comment: This variant is considered likely benign or benign based on one or more of the following criteria: it is a conservative change, it occurs at a poorly conserved position in the protein, it is predicted to be benign by multiple in silico algorithms, and/or has population frequency not consistent with disease.